The following is an entry in ClinVar:

ClinVar aggregate classification (germline): Conflicting classifications of pathogenicity. Review status: criteria provided, conflicting classifications (1 of 4 stars). 5 submissions from 4 submitters: Uncertain significance (1); Likely benign (4). Last evaluated 2025-11-27.

Conditions:
Hypoalphalipoproteinemia, primary, 1. Identifiers: Orphanet 425, MedGen C5231558, MONDO:0011393, OMIM 604091.
Tangier disease (TGD). Also called: HIGH DENSITY LIPOPROTEIN DEFICIENCY, TANGIER TYPE; HIGH DENSITY LIPOPROTEIN DEFICIENCY, TYPE 1; Cholesterol thesaurismosis. Identifiers: Orphanet 31150, MedGen C0039292, MONDO:0008783, OMIM 205400.

Allele frequency attached by ClinVar (database versions not stated): 1000 Genomes Project 30x 0.00016; 1000 Genomes Project 0.00020; gnomAD 0.00030 and 0.00032; TOPMed 0.00031; gnomAD exomes 0.00033; ExAC 0.00037; ESP Exome Variant Server 0.00046.
gnomAD v4.1: 836 of 1,614,110 alleles (0.052%); highest among the groups gnomAD compares: Non-Finnish European, 0.063%; no homozygotes.

Submissions (6):

Labcorp Genetics (formerly Invitae), Labcorp
Classification: Likely benign. Last evaluated: 2025-11-27. Review status: criteria provided, single submitter. Criteria: Invitae Variant Classification Sherloc (09022015). Collection method: clinical testing. Allele origin: germline.

Women's Health and Genetics/Laboratory Corporation of America, LabCorp
Classification: Likely benign. Last evaluated: 2024-11-18. Review status: criteria provided, single submitter. Criteria: LabCorp Variant Classification Summary - May 2015. Collection method: clinical testing. Allele origin: germline.
Comment: Variant summary: ABCA1 c.5039G>A (p.Arg1680Gln) results in a conservative amino acid change located in the ABC-2 type transporter, transmembrane domain of the encoded protein sequence. Four of five in-silico tools predict a damaging effect of the variant on protein function. The variant allele was found at a frequency of 0.00034 in 266804 control chromosomes, predominantly at a frequency of 0.00055 within the Non-Finnish European subpopulation in the gnomAD database. The observed variant frequency within Non-Finnish European control individuals in the gnomAD database is approximately 55 fold of the estimated maximal expected allele frequency for a pathogenic variant in ABCA1 causing Familial Hypoalphalipoproteinemia phenotype (1e-05). c.5039G>A has been reported in the literature in individuals with both high and low level of HDL-C, all without strong evidence for causality (e.g.Cohen_2004, Berge_2010, Sadananda_2015, Peloso_2016, Abdel-Razek_2018, Dong_2022). These reports do not provide unequivocal conclusions about association of the variant with Familial Hypoalphalipoproteinemia. To our knowledge, no experimental evidence demonstrating an impact on protein function has been reported. The following publications have been ascertained in the context of this evaluation (PMID: 15297675, 24497850, 26350511, 26255038, 29150341, 35460704, 20800056). ClinVar contains an entry for this variant (Variation ID: 364394). Based on the evidence outlined above, the variant was classified as likely benign.

Mayo Clinic Laboratories, Mayo Clinic
Classification: Uncertain significance. Last evaluated: 2021-05-27. Review status: criteria provided, single submitter. Criteria: ACMG Guidelines, 2015. Collection method: clinical testing. Allele origin: germline.

Illumina Laboratory Services, Illumina
Classification: Likely benign for Tangier disease. Last evaluated: 2017-04-27. Review status: criteria provided, single submitter. Criteria: ICSL Variant Classification Criteria 13 December 2019. Collection method: clinical testing. Allele origin: germline.
Comment: This variant was observed as part of a predisposition screen in an ostensibly healthy population. A literature search was performed for the gene, cDNA change, and amino acid change (where applicable). Publications were found based on this search. The evidence from the literature, in combination with allele frequency data from public databases where available, was sufficient to determine this variant is unlikely to cause disease. Therefore, this variant is classified as likely benign.

Illumina Laboratory Services, Illumina
Classification: Likely benign for Hypoalphalipoproteinemia, primary, 1. Last evaluated: 2017-04-27. Review status: criteria provided, single submitter. Criteria: ICSL Variant Classification Criteria 13 December 2019. Collection method: clinical testing. Allele origin: germline.
Comment: the same text as in the submission from Illumina Laboratory Services, Illumina above.

Dr. Peter K. Rogan Lab, Western University
No classification provided (evidence only). Condition: Colon adenocarcinoma. Review status: no classification provided. Collection method: in vitro. Allele origin: not applicable. Functional consequence: retained intron. Not counted in ClinVar's aggregate classification.

Literature cited by the submitters: PubMed 15297675 (cited by Women's Health and Genetics/Laboratory Corporation of America, LabCorp and Illumina Laboratory Services, Illumina); PubMed 24497850 (cited by Women's Health and Genetics/Laboratory Corporation of America, LabCorp and Illumina Laboratory Services, Illumina); PubMed 26350511 (cited by Women's Health and Genetics/Laboratory Corporation of America, LabCorp); PubMed 29150341 (cited by Women's Health and Genetics/Laboratory Corporation of America, LabCorp); PubMed 26255038 (cited by Women's Health and Genetics/Laboratory Corporation of America, LabCorp); PubMed 20800056 (cited by Women's Health and Genetics/Laboratory Corporation of America, LabCorp and Illumina Laboratory Services, Illumina); PubMed 35460704 (cited by Women's Health and Genetics/Laboratory Corporation of America, LabCorp); PubMed 25215231 (cited by Illumina Laboratory Services, Illumina).

NM_005502.4(ABCA1):c.5039G>A (p.Arg1680Gln)

Gene: ABCA1 (ATP binding cassette subfamily A member 1; minus strand). Cytogenetic location: 9q31.1.
Variant type: single nucleotide variant.
Coding change: c.5039G>A on transcript NM_005502.4 (MANE Select); coding-DNA position 5039, G replaced by A.
Protein change: p.Arg1680Gln; replaces arginine 1680 with glutamine.
Molecular consequence: missense variant.
Genome position (GRCh38, 1-based): chr9:104,798,503, C>T on the plus strand (G>A on the coding strand, the complement: ABCA1 is on the minus strand). VCF-style: chr9-104798503-C-T. GRCh37 (hg19) VCF-style: chr9-107560784-C-T.
Other names: short protein forms R1680Q.
Identifiers: ClinVar variation 364394 (VCV000364394.19), dbSNP rs150125857, ClinGen allele CA5167954.